The following is an entry in ClinVar:

ClinVar aggregate classification (germline): Uncertain significance (1 of 4 stars; one submission).

Conditions:
Early-infantile DEE. Also called: Early infantile epileptic encephalopathy; Ohtahara syndrome; Early infantile epileptic encephalopathy with suppression bursts. Identifiers: Orphanet 1934, MedGen C0393706, MONDO:0800491.

Submission:

Labcorp Genetics (formerly Invitae), Labcorp
Classification: Uncertain significance for Early-infantile DEE. Last evaluated: 2022-03-16. Review status: criteria provided, single submitter. Criteria: Invitae Variant Classification Sherloc (09022015). Collection method: clinical testing. Allele origin: germline.
Comment: In summary, the available evidence is currently insufficient to determine the role of this variant in disease. Therefore, it has been classified as a Variant of Uncertain Significance. Experimental studies and prediction algorithms are not available or were not evaluated, and the effect of this variant on mRNA splicing is currently unknown. This variant has not been reported in the literature in individuals affected with KCNH5-related conditions. This variant is not present in population databases (gnomAD no frequency). This sequence change falls in intron 4 of the KCNH5 gene. It does not directly change the encoded amino acid sequence of the KCNH5 protein.

NM_139318.5(KCNH5):c.433+9_433+10insAACAAAAGGTAATTTTCTTTTTTTTTTTTTTTTTTTTNNNNNNNNNNATCATGCTGCTATAAAGACACATGCACACGTATGTTTATTGCGGCACTATTCACAATAGCAAAGACTTGG

Gene: KCNH5 (potassium voltage-gated channel subfamily H member 5; minus strand). Cytogenetic location: 14q23.2.
Variant type: Insertion.
Coding change: c.433+9_433+10insAACAAAAGGTAATTTTCTTTTTTTTTTTTTTTTTTTTNNNNNNNNNNATCATGCTGCTATAAAGACACATGCACACGTATGTTTATTGCGGCACTATTCACAATAGCAAAGACTTGG on transcript NM_139318.5 (MANE Select); bases 9 to 10 of the intron after coding-DNA position 433, AACAAAAGGTAATTTTCTTTTTTTTTTTTTTTTTTTTNNNNNNNNNNATCATGCTGCTATAAAGACACATGCACACGTATGTTTATTGCGGCACTATTCACAATAGCAAAGACTTGG inserted.
Molecular consequence: splice donor variant.
Genome position: GRCh38: chr14:63,001,338-63,001,339. GRCh37 (hg19): chr14:63,468,056-63,468,057.
Other names: c.433+9_433+10insAACAAAAGGTAATTTTCTTTTTTTTTTTTTTTTTTTTNNNNNNNNNNATCATGCTGCTATAAAGACACATGCACACGTATGTTTATTGCGGCACTATTCACAATAGCAAAGACTTGG (NM_172375.3).
Identifiers: ClinVar variation 2113164 (VCV002113164.4), dbSNP rs2503069221.